The following is an entry in ClinVar:

NM_172107.4(KCNQ2):c.2235G>A (p.Pro745=)

Gene: KCNQ2 (potassium voltage-gated channel subfamily Q member 2; minus strand). Cytogenetic location: 20q13.33.
Variant type: single nucleotide variant.
Coding change: c.2235G>A on transcript NM_172107.4 (MANE Select); coding-DNA position 2235, G replaced by A.
Protein change: p.Pro745=; no amino-acid change (proline 745 retained).
Molecular consequence: synonymous variant.
Genome position (GRCh38, 1-based): chr20:63,407,028, C>T on the plus strand (G>A on the coding strand, the complement: KCNQ2 is on the minus strand). VCF-style: chr20-63407028-C-T. GRCh37 (hg19) VCF-style: chr20-62038381-C-T.
Other names: p.P745P:CCG>CCA; c.2289G>A, p.Pro763= (NM_001382235.1); c.2178G>A, p.Pro726= (NM_001439003.1); c.2148G>A, p.Pro716= (NM_001439004.1); c.2151G>A, p.Pro717= (NM_004518.6); c.2181G>A, p.Pro727= (NM_172106.3); c.2142G>A, p.Pro714= (NM_172108.5).
Identifiers: ClinVar variation 129341 (VCV000129341.24), dbSNP rs139587368, ClinGen allele CA090960.

ClinVar aggregate classification (germline): Benign/Likely benign. Review status: criteria provided, multiple submitters, no conflicts (2 of 4 stars). 7 submissions from 7 submitters: Benign (5); Likely benign (1). 1 of the submissions does not count toward it. Last evaluated 2026-02-03.

Conditions:
Inborn genetic diseases. Identifiers: MedGen C0950123, MeSH D030342.
Early-infantile DEE. Also called: Early infantile epileptic encephalopathy; Early infantile epileptic encephalopathy with suppression bursts; Ohtahara syndrome. Identifiers: Orphanet 1934, MedGen C0393706, MONDO:0800491.

Allele frequency attached by ClinVar (database versions not stated): gnomAD exomes 0.01114 and 0.00329; ExAC 0.01495; 1000 Genomes Project 30x 0.02124; TOPMed 0.00461; gnomAD 0.00506 and 0.00618; ESP Exome Variant Server 0.00067; 1000 Genomes Project 0.02296.
gnomAD v4.1: 5,624 of 1,517,678 alleles (0.37%); highest among the groups gnomAD compares: East Asian, 8%; 189 homozygotes.

Submissions (7):

Labcorp Genetics (formerly Invitae), Labcorp
Classification: Benign for Early-infantile DEE. Last evaluated: 2026-02-03. Review status: criteria provided, single submitter. Criteria: Invitae Variant Classification Sherloc (09022015). Collection method: clinical testing. Allele origin: germline.

Blueprint Genetics
Classification: Likely benign. Last evaluated: 2024-11-23. Review status: criteria provided, single submitter. Criteria: ACMG Guidelines, 2015. Collection method: clinical testing. Allele origin: germline.

Ambry Genetics
Classification: Benign for Inborn genetic diseases. Last evaluated: 2016-05-26. Review status: criteria provided, single submitter. Criteria: Ambry Variant Classification Scheme 2023. Collection method: clinical testing. Allele origin: germline.

Eurofins Ntd Llc (ga)
Classification: Benign. Last evaluated: 2014-09-08. Review status: criteria provided, single submitter. Criteria: EGL Classification Definitions 2015. Collection method: clinical testing. Allele origin: germline. Observed: 1 variant allele, 1 heterozygote.

GeneDx
Classification: Benign. Last evaluated: 2013-01-31. Review status: criteria provided, single submitter. Criteria: GeneDx Variant Classification (06012015). Collection method: clinical testing. Allele origin: germline. Affected: yes.
Comment: This variant is considered likely benign or benign based on one or more of the following criteria: it is a conservative change, it occurs at a poorly conserved position in the protein, it is predicted to be benign by multiple in silico algorithms, and/or has population frequency not consistent with disease.

Breakthrough Genomics
Classification: Benign. Review status: criteria provided, single submitter. Criteria: ACMG Guidelines, 2015. Collection method: not provided. Allele origin: germline. Inheritance: Autosomal dominant inheritance. Affected: yes.

Genetic Services Laboratory, University of Chicago
Classification: Likely benign for AllHighlyPenetrant. Review status: no assertion criteria provided. Collection method: clinical testing. Allele origin: germline. Inheritance: Autosomal dominant inheritance. Not counted in ClinVar's aggregate classification.
Comment: Likely benign based on allele frequency in 1000 Genomes Project or ESP global frequency and its presence in a patient with a rare or unrelated disease phenotype. NOT Sanger confirmed.